The following is an entry in ClinVar:

NM_020975.6(RET):c.2478C>T (p.Tyr826=)

Gene: RET (ret proto-oncogene; plus strand). Cytogenetic location: 10q11.21.
Variant type: single nucleotide variant.
Coding change: c.2478C>T on transcript NM_020975.6 (MANE Select); coding-DNA position 2478, C replaced by T.
Protein change: p.Tyr826=; no amino-acid change (tyrosine 826 retained).
Molecular consequence: synonymous variant.
Genome position (GRCh38, 1-based): chr10:43,119,616, C>T. VCF-style: chr10-43119616-C-T. GRCh37 (hg19) VCF-style: chr10-43615064-C-T.
Other names: c.2478C>T, p.Tyr826= (NM_000323.2, NM_001406743.1, NM_001406744.1 and 4 more transcripts); c.1716C>T, p.Tyr572= (NM_001355216.2); c.2349C>T, p.Tyr783= (NM_001406761.1, NM_001406762.1, NM_001406764.1); c.2343C>T, p.Tyr781= (NM_001406763.1, NM_001406765.1); c.2190C>T, p.Tyr730= (NM_001406766.1, NM_001406767.1, NM_001406770.1); c.2214C>T, p.Tyr738= (NM_001406768.1); c.2082C>T, p.Tyr694= (NM_001406769.1, NM_001406772.1); c.2040C>T, p.Tyr680= (NM_001406771.1, NM_001406773.1); and 10 more.
Identifiers: ClinVar variation 821338 (VCV000821338.16), dbSNP rs1588877223, ClinGen allele CA469479918.

ClinVar aggregate classification (germline): Benign/Likely benign. Review status: criteria provided, multiple submitters, no conflicts (2 of 4 stars). 4 submissions from 4 submitters: Benign (1); Likely benign (3). Last evaluated 2025-02-27.

Conditions:
Multiple endocrine neoplasia, type 2 (MEN2). Identifiers: Orphanet 653, MedGen C4048306, MONDO:0019003. Disease mechanism: gain of function.
Hereditary cancer-predisposing syndrome. Also called: Neoplastic Syndromes, Hereditary; Tumor predisposition; Hereditary Cancer Syndrome; Hereditary neoplastic syndrome. Identifiers: Orphanet 140162, MedGen C0027672, MeSH D009386, MONDO:0015356.
Multiple endocrine neoplasia type 2A. Also called: MULTIPLE ENDOCRINE NEOPLASIA, TYPE IIA; PTC SYNDROME; SIPPLE SYNDROME; MEN 2A; MEN-2A syndrome; Pheochromocytoma and amyloid producing medullary thyroid carcinoma. Identifiers: Orphanet 247698, Orphanet 653, MedGen C0025268, MeSH D018813, MONDO:0008234, OMIM 171400.

Allele frequency attached by ClinVar (database versions not stated): gnomAD 0.00001.
gnomAD v4.1: 1 of 1,612,814 alleles (0.000062%); highest among the groups gnomAD compares: Admixed American, 0.0017%; no homozygotes.

Submissions (4):

Myriad Genetics, Inc.
Classification: Benign for Multiple endocrine neoplasia type 2A. Last evaluated: 2025-02-27. Review status: criteria provided, single submitter. Criteria: Myriad Autosomal Dominant, Autosomal Recessive and X-Linked Classification Criteria (2023). Collection method: clinical testing. Allele origin: unknown.
Comment: This variant is considered benign. This variant is a silent/synonymous amino acid change and it is not expected to impact splicing.

All of Us Research Program, National Institutes of Health
Classification: Likely benign for Multiple endocrine neoplasia, type 2. Last evaluated: 2024-01-11. Review status: criteria provided, single submitter. Criteria: ACMG Guidelines, 2015. Collection method: clinical testing. Allele origin: germline. Inheritance: Autosomal dominant inheritance. Observed: 2 variant alleles, 2 heterozygotes.
Comment: This study involves interpretation of variants in research participants for the purpose of population health screening. Participant phenotype was not available at the time of variant classification. Additional details can be found in publication PMID: 35346344, PMCID: PMC8962531

Labcorp Genetics (formerly Invitae), Labcorp
Classification: Likely benign for Multiple endocrine neoplasia, type 2. Last evaluated: 2022-08-20. Review status: criteria provided, single submitter. Criteria: Invitae Variant Classification Sherloc (09022015). Collection method: clinical testing. Allele origin: germline.

Ambry Genetics
Classification: Likely benign for Hereditary cancer-predisposing syndrome. Last evaluated: 2019-09-25. Review status: criteria provided, single submitter. Criteria: Ambry Variant Classification Scheme 2023. Collection method: clinical testing. Allele origin: germline.